The following is an entry in ClinVar:

ClinVar aggregate classification (germline): Likely benign. Review status: criteria provided, multiple submitters, no conflicts (2 of 4 stars). 5 submissions from 5 submitters: Likely benign (5). Last evaluated 2025-09-13.

Conditions:
Marfan syndrome (MFS). Also called: MARFAN SYNDROME, TYPE I; FBN1-Related Marfan Syndrome; Marfan syndrome type 1; Marfan's syndrome; Marfan syndrome, classic. Identifiers: Orphanet 284963, Orphanet 558, MedGen C0024796, MONDO:0007947, OMIM 154700.
Familial thoracic aortic aneurysm and aortic dissection (TAAD). Also called: Thoracic aortic aneurysms and dissections. Identifiers: Orphanet 91387, MedGen C4707243, MONDO:0019625.

Allele frequency attached by ClinVar (database versions not stated): gnomAD 0.00002 and 0.00003; TOPMed 0.00004; gnomAD exomes 0.00002 and 0.00005; ExAC 0.00002.
gnomAD v4.1: 77 of 1,614,010 alleles (0.0048%); highest among the groups gnomAD compares: Non-Finnish European, 0.006%; no homozygotes.

Submissions (5):

Labcorp Genetics (formerly Invitae), Labcorp
Classification: Likely benign for Marfan syndrome; Familial thoracic aortic aneurysm and aortic dissection. Last evaluated: 2025-09-13. Review status: criteria provided, single submitter. Criteria: Invitae Variant Classification Sherloc (09022015). Collection method: clinical testing. Allele origin: germline.

All of Us Research Program, National Institutes of Health
Classification: Likely benign for Marfan syndrome. Last evaluated: 2023-12-01. Review status: criteria provided, single submitter. Criteria: ACMG Guidelines, 2015. Collection method: clinical testing. Allele origin: germline. Inheritance: Autosomal dominant inheritance. Observed: 6 variant alleles, 6 heterozygotes.
Comment: This study involves interpretation of variants in research participants for the purpose of population health screening. Participant phenotype was not available at the time of variant classification. Additional details can be found in publication PMID: 35346344, PMCID: PMC8962531

Blueprint Genetics
Classification: Likely benign. Last evaluated: 2023-08-04. Review status: criteria provided, single submitter. Criteria: ACMG Guidelines, 2015. Collection method: clinical testing. Allele origin: germline.

Ambry Genetics
Classification: Likely benign for Familial thoracic aortic aneurysm and aortic dissection. Last evaluated: 2023-04-14. Review status: criteria provided, single submitter. Criteria: Ambry Variant Classification Scheme 2023. Collection method: clinical testing. Allele origin: germline.

Color Diagnostics, LLC DBA Color Health
Classification: Likely benign for Familial thoracic aortic aneurysm and aortic dissection. Last evaluated: 2018-12-03. Review status: criteria provided, single submitter. Criteria: ACMG Guidelines, 2015. Collection method: clinical testing. Allele origin: germline.

NM_000138.5(FBN1):c.3513C>T (p.Cys1171=)

Gene: FBN1 (fibrillin 1; minus strand). Cytogenetic location: 15q21.1.
Variant type: single nucleotide variant.
Coding change: c.3513C>T on transcript NM_000138.5 (MANE Select); coding-DNA position 3513, C replaced by T.
Protein change: p.Cys1171=; no amino-acid change (cysteine 1171 retained).
Molecular consequence: synonymous variant.
Genome position (GRCh38, 1-based): chr15:48,487,151, G>A on the plus strand (C>T on the coding strand, the complement: FBN1 is on the minus strand). VCF-style: chr15-48487151-G-A. GRCh37 (hg19) VCF-style: chr15-48779348-G-A.
Identifiers: ClinVar variation 457195 (VCV000457195.17), dbSNP rs775417975, ClinGen allele CA050999.